The following is an entry in ClinVar:

ClinVar aggregate classification (germline): Uncertain significance (1 of 4 stars; one submission).

Submission:

Labcorp Genetics (formerly Invitae), Labcorp
Classification: Uncertain significance. Last evaluated: 2023-12-01. Review status: criteria provided, single submitter. Criteria: Invitae Variant Classification Sherloc (09022015). Collection method: clinical testing. Allele origin: germline.
Comment: This sequence change replaces serine, which is neutral and polar, with phenylalanine, which is neutral and non-polar, at codon 70 of the CAPN5 protein (p.Ser70Phe). This variant is not present in population databases (gnomAD no frequency). This variant has not been reported in the literature in individuals affected with CAPN5-related conditions. Advanced modeling of protein sequence and biophysical properties (such as structural, functional, and spatial information, amino acid conservation, physicochemical variation, residue mobility, and thermodynamic stability) performed at Invitae indicates that this missense variant is expected to disrupt CAPN5 protein function with a positive predictive value of 80%. In summary, the available evidence is currently insufficient to determine the role of this variant in disease. Therefore, it has been classified as a Variant of Uncertain Significance.

NM_004055.5(CAPN5):c.209C>T (p.Ser70Phe)

Gene: CAPN5 (calpain 5; plus strand). Cytogenetic location: 11q13.5.
Variant type: single nucleotide variant.
Coding change: c.209C>T on transcript NM_004055.5 (MANE Select); coding-DNA position 209, C replaced by T.
Protein change: p.Ser70Phe; replaces serine 70 with phenylalanine.
Molecular consequence: missense variant.
Genome position (GRCh38, 1-based): chr11:77,093,725, C>T. VCF-style: chr11-77093725-C-T. GRCh37 (hg19) VCF-style: chr11-76804771-C-T.
Other names: c.329C>T, p.Ser110Phe (NM_001425321.1); c.209C>T, p.Ser70Phe (NM_001425322.1); short protein forms S110F, S70F.
Identifiers: ClinVar variation 2834879 (VCV002834879.3), dbSNP rs2496213060, ClinGen allele CA381931129.